The following is an entry in ClinVar:

NM_005120.3(MED12):c.4879C>T (p.Arg1627Cys)

Gene: MED12 (mediator complex subunit 12; plus strand). Cytogenetic location: Xq13.1.
Variant type: single nucleotide variant.
Coding change: c.4879C>T on transcript NM_005120.3 (MANE Select); coding-DNA position 4879, C replaced by T.
Protein change: p.Arg1627Cys; replaces arginine 1627 with cysteine.
Molecular consequence: missense variant.
Genome position (GRCh38, 1-based): chrX:71,135,107, C>T. VCF-style: chrX-71135107-C-T. GRCh37 (hg19) VCF-style: chrX-70354957-C-T.
Other names: short protein forms R1627C.
Identifiers: ClinVar variation 1305833 (VCV001305833.4), dbSNP rs776748297, ClinGen allele CA10444722.

ClinVar aggregate classification (germline): Uncertain significance. Review status: criteria provided, multiple submitters, no conflicts (2 of 4 stars). 2 submissions from 2 submitters: Uncertain significance (2). Last evaluated 2025-01-07.

Conditions:
FG syndrome (FGS). Identifiers: MedGen C0220769, MONDO:0002010.

Allele frequency attached by ClinVar (database versions not stated): ExAC 0.00001; gnomAD exomes 0.00001.
gnomAD v4.1: 12 of 1,211,104 alleles (0.00099%); highest among the groups gnomAD compares: Non-Finnish European, 0.0012%; no homozygotes.

Submissions (2):

Labcorp Genetics (formerly Invitae), Labcorp
Classification: Uncertain significance for FG syndrome. Last evaluated: 2025-01-07. Review status: criteria provided, single submitter. Criteria: Invitae Variant Classification Sherloc (09022015). Collection method: clinical testing. Allele origin: germline.
Comment: This sequence change replaces arginine, which is basic and polar, with cysteine, which is neutral and slightly polar, at codon 1627 of the MED12 protein (p.Arg1627Cys). The frequency data for this variant in the population databases is considered unreliable, as metrics indicate poor data quality at this position in the gnomAD database. This missense change has been observed in individual(s) with Lujan-Fryns syndrome (PMID: 36271811). ClinVar contains an entry for this variant (Variation ID: 1305833). Invitae Evidence Modeling of protein sequence and biophysical properties (such as structural, functional, and spatial information, amino acid conservation, physicochemical variation, residue mobility, and thermodynamic stability) has been performed for this missense variant. However, the output from this modeling did not meet the statistical confidence thresholds required to predict the impact of this variant on MED12 protein function. In summary, the available evidence is currently insufficient to determine the role of this variant in disease. Therefore, it has been classified as a Variant of Uncertain Significance.

GeneDx
Classification: Uncertain significance. Last evaluated: 2019-05-14. Review status: criteria provided, single submitter. Criteria: GeneDx Variant Classification Process June 2021. Collection method: clinical testing. Allele origin: germline. Affected: yes.
Comment: Has not been previously published as pathogenic or benign to our knowledge; Not observed at a significant frequency in large population cohorts (Lek et al., 2016); In silico analysis, which includes protein predictors and evolutionary conservation, supports a deleterious effect

Literature cited by the submitters: PubMed 36271811 (cited by Labcorp Genetics (formerly Invitae), Labcorp).